The following is an entry in ClinVar:

NM_001270974.2(HYDIN):c.1159A>C (p.Asn387His)

Gene: HYDIN (HYDIN axonemal central pair apparatus protein; minus strand). Cytogenetic location: 16q22.2.
Variant type: single nucleotide variant.
Coding change: c.1159A>C on transcript NM_001270974.2 (MANE Select); coding-DNA position 1159, A replaced by C.
Protein change: p.Asn387His; replaces asparagine 387 with histidine.
Molecular consequence: missense variant.
Genome position (GRCh38, 1-based): chr16:71,129,708, T>G on the plus strand (A>C on the coding strand, the complement: HYDIN is on the minus strand). VCF-style: chr16-71129708-T-G. GRCh37 (hg19) VCF-style: chr16-71163611-T-G.
Other names: c.1240A>C, p.Asn414His (NM_001198542.1); c.1210A>C, p.Asn404His (NM_001198543.1); c.1159A>C, p.Asn387His (NM_017558.5); short protein forms N404H, N414H, N387H.
Identifiers: ClinVar variation 2220934 (VCV002220934.3), dbSNP rs775218519, ClinGen allele CA8151417.

ClinVar aggregate classification (germline): Uncertain significance. Review status: criteria provided, multiple submitters, no conflicts (2 of 4 stars). 2 submissions from 2 submitters: Uncertain significance (2). Last evaluated 2025-05-19.

Conditions:
Inborn genetic diseases. Identifiers: MedGen C0950123, MeSH D030342.

Allele frequency attached by ClinVar (database versions not stated): gnomAD exomes 0.00001; TOPMed 0.00001; ExAC 0.00003; gnomAD 0.00001.
gnomAD v4.1: 23 of 1,614,082 alleles (0.0014%); highest among the groups gnomAD compares: East Asian, 0.049%; no homozygotes.

Submissions (2):

GeneDx
Classification: Uncertain significance. Last evaluated: 2025-05-19. Review status: criteria provided, single submitter. Criteria: GeneDx Variant Classification Process June 2021. Collection method: clinical testing. Allele origin: germline. Affected: yes.
Comment: In silico analysis supports that this missense variant has a deleterious effect on protein structure/function; Has not been previously published as pathogenic or benign to our knowledge

Ambry Genetics
Classification: Uncertain significance for Inborn genetic diseases. Last evaluated: 2022-07-12. Review status: criteria provided, single submitter. Criteria: Ambry Variant Classification Scheme 2023. Collection method: clinical testing. Allele origin: germline.